The following is an entry in ClinVar:

NM_020949.3(SLC7A14):c.2261A>G (p.Lys754Arg)

Gene: SLC7A14 (solute carrier family 7 member 14; minus strand). Cytogenetic location: 3q26.2.
Variant type: single nucleotide variant.
Coding change: c.2261A>G on transcript NM_020949.3 (MANE Select); coding-DNA position 2261, A replaced by G.
Protein change: p.Lys754Arg; replaces lysine 754 with arginine.
Molecular consequence: missense variant.
Genome position (GRCh38, 1-based): chr3:170,467,110, T>C on the plus strand (A>G on the coding strand, the complement: SLC7A14 is on the minus strand). VCF-style: chr3-170467110-T-C. GRCh37 (hg19) VCF-style: chr3-170184898-T-C.
Other names: short protein forms K754R.
Identifiers: ClinVar variation 1351779 (VCV001351779.6), dbSNP rs757505597, ClinGen allele CA2701468.

ClinVar aggregate classification (germline): Uncertain significance (1 of 4 stars; one submission).

Allele frequency attached by ClinVar (database versions not stated): gnomAD exomes below 0.00001; ExAC 0.00001; TOPMed 0.00001.

Submission:

Labcorp Genetics (formerly Invitae), Labcorp
Classification: Uncertain significance. Last evaluated: 2022-10-17. Review status: criteria provided, single submitter. Criteria: Invitae Variant Classification Sherloc (09022015). Collection method: clinical testing. Allele origin: germline.
Comment: In summary, the available evidence is currently insufficient to determine the role of this variant in disease. Therefore, it has been classified as a Variant of Uncertain Significance. Algorithms developed to predict the effect of missense changes on protein structure and function output the following: SIFT: "Tolerated"; PolyPhen-2: "Benign"; Align-GVGD: "Class C0". The arginine amino acid residue is found in multiple mammalian species, which suggests that this missense change does not adversely affect protein function. ClinVar contains an entry for this variant (Variation ID: 1351779). This variant has not been reported in the literature in individuals affected with SLC7A14-related conditions. This variant is present in population databases (rs757505597, gnomAD 0.007%). This sequence change replaces lysine, which is basic and polar, with arginine, which is basic and polar, at codon 754 of the SLC7A14 protein (p.Lys754Arg).